The following is an entry in ClinVar:

ClinVar aggregate classification (germline): Pathogenic (1 of 4 stars; one submission).

Conditions:
Joubert syndrome 23 (JBTS23). Identifiers: Orphanet 475, MedGen C4084822, MONDO:0014664, OMIM 616490.
Short-rib thoracic dysplasia 14 with polydactyly (SRTD14). Identifiers: Orphanet 397715, MedGen C4225286, MONDO:0014688, OMIM 616546.

Submission:

Labcorp Genetics (formerly Invitae), Labcorp
Classification: Pathogenic for Joubert syndrome 23; Short-rib thoracic dysplasia 14 with polydactyly. Last evaluated: 2022-07-14. Review status: criteria provided, single submitter. Criteria: Invitae Variant Classification Sherloc (09022015). Collection method: clinical testing. Allele origin: germline.
Comment: For these reasons, this variant has been classified as Pathogenic. This variant has not been reported in the literature in individuals affected with KIAA0586-related conditions. This variant is a gross deletion of the genomic region encompassing exon(s) 30 of the KIAA0586 gene. This deletion is out-of-frame, and is expected to create a premature termination codon and result in an absent or disrupted protein product. Loss-of-function variants in KIAA0586 are known to be pathogenic (PMID: 26096313, 26166481, 26386044).

Literature cited by the submitters: PubMed 26096313; PubMed 26166481; PubMed 26386044.

NC_000014.8:g.(?_58975253)_(58975447_?)del

Gene: KIAA0586 (KIAA0586; plus strand). Cytogenetic location: 14q23.1.
Variant type: Deletion.
Identifiers: ClinVar variation 2424010 (VCV002424010.4).